The following is an entry in ClinVar:

ClinVar aggregate classification (germline): Uncertain significance (1 of 4 stars; one submission).

Conditions:
Brugada syndrome 8 (BRGDA8). Identifiers: Orphanet 130, MedGen C2751083, MONDO:0013148, OMIM 613123.

Allele frequency attached by ClinVar (database versions not stated): gnomAD exomes below 0.00001.
gnomAD v4.1: 1 of 1,614,236 alleles (0.000062%); highest among the groups gnomAD compares: Admixed American, 0.0017%; no homozygotes.

Submission:

Labcorp Genetics (formerly Invitae), Labcorp
Classification: Uncertain significance for Brugada syndrome 8. Last evaluated: 2022-04-08. Review status: criteria provided, single submitter. Criteria: Invitae Variant Classification Sherloc (09022015). Collection method: clinical testing. Allele origin: germline.
Comment: In summary, the available evidence is currently insufficient to determine the role of this variant in disease. Therefore, it has been classified as a Variant of Uncertain Significance. Advanced modeling of protein sequence and biophysical properties (such as structural, functional, and spatial information, amino acid conservation, physicochemical variation, residue mobility, and thermodynamic stability) performed at Invitae indicates that this missense variant is not expected to disrupt HCN4 protein function. This missense change has been observed in individual(s) with left ventricular noncompaction (PMID: 30471092, 34088380). This variant is not present in population databases (gnomAD no frequency). This sequence change replaces leucine, which is neutral and non-polar, with valine, which is neutral and non-polar, at codon 411 of the HCN4 protein (p.Leu411Val).

Literature cited by the submitters: PubMed 30471092; PubMed 34088380.

NM_005477.3(HCN4):c.1231C>G (p.Leu411Val)

Gene: HCN4 (hyperpolarization activated cyclic nucleotide gated potassium channel 4; minus strand). Cytogenetic location: 15q24.1.
Variant type: single nucleotide variant.
Coding change: c.1231C>G on transcript NM_005477.3 (MANE Select); coding-DNA position 1231, C replaced by G.
Protein change: p.Leu411Val; replaces leucine 411 with valine.
Molecular consequence: missense variant.
Genome position (GRCh38, 1-based): chr15:73,332,271, G>C on the plus strand (C>G on the coding strand, the complement: HCN4 is on the minus strand). VCF-style: chr15-73332271-G-C. GRCh37 (hg19) VCF-style: chr15-73624612-G-C.
Other names: short protein forms L411V.
Identifiers: ClinVar variation 2419074 (VCV002419074.6), dbSNP rs1264460587, ClinGen allele CA393094544.